The following is an entry in ClinVar:

ClinVar aggregate classification (germline): Uncertain significance (1 of 4 stars; one submission).

Submission:

GeneDx
Classification: Uncertain significance. Last evaluated: 2026-04-13. Review status: criteria provided, single submitter. Criteria: GeneDx Variant Classification Process June 2021. Collection method: clinical testing. Allele origin: germline.
Comment: Not observed at significant frequency in large population cohorts (gnomAD); In silico analysis suggests that this missense variant does not alter protein structure/function; Has not been previously published as pathogenic or benign to our knowledge

NM_001127644.2(GABRA1):c.1358C>A (p.Thr453Lys)

Gene: GABRA1 (gamma-aminobutyric acid type A receptor subunit alpha1; plus strand). Cytogenetic location: 5q34.
Variant type: single nucleotide variant.
Coding change: c.1358C>A on transcript NM_001127644.2 (MANE Select); coding-DNA position 1358, C replaced by A.
Protein change: p.Thr453Lys; replaces threonine 453 with lysine.
Molecular consequence: missense variant.
Genome position (GRCh38, 1-based): chr5:161,897,409, C>A. VCF-style: chr5-161897409-C-A. GRCh37 (hg19) VCF-style: chr5-161324415-C-A.
Other names: c.1358C>A, p.Thr453Lys (NM_000806.5, NM_001127643.2, NM_001127645.2 and 1 more transcripts); short protein forms T453K.
Identifiers: ClinVar variation 5037066 (VCV005037066.1).